The following is an entry in ClinVar:

ClinVar aggregate classification (germline): Pathogenic (0 of 4 stars; one submission).

Conditions:
Leukoencephalopathy with vanishing white matter 2 (VWM2). Also called: Leukoencephalopathy with vanishing white matter 2, with or without ovarian failure; EIF2B2-Related Childhood Ataxia with Central Nervous System Hypomyelination/Vanishing White Matter. Identifiers: MedGen C5830404, MONDO:0957870, OMIM 620312.

Submission:

Department of Reproductive Genetics, International Peace Maternity and Child Health Hospital, Shanghai Jiao Tong University School of Medicine
Classification: Pathogenic for Leukoencephalopathy with vanishing white matter 2, with or without ovarian failure. Last evaluated: 2025-05-01. Review status: no assertion criteria provided. Collection method: clinical testing. Allele origin: inherited. Affected: yes.
Comment: This variant causes a frameshift change and results in nonsense mediated mRNA decay. The variant was absent in control chromosomes in GnomAD database.

NM_014239.4(EIF2B2):c.794_798del (p.Leu265fs)

Gene: EIF2B2 (eukaryotic translation initiation factor 2B subunit beta; plus strand). Cytogenetic location: 14q24.3.
Variant type: Deletion.
Coding change: c.794_798del on transcript NM_014239.4 (MANE Select); coding-DNA positions 794 to 798, 5 bases deleted (TCATC; older notation c.794_798delTCATC).
Protein change: p.Leu265fs; shifts the reading frame from leucine 265.
Molecular consequence: frameshift variant.
Genome position (GRCh38, 1-based): chr14:75,006,677-75,006,681, TCATC deleted; deleting any 5 consecutive bases within chr14:75,006,676-75,006,681 gives the same sequence; the c. name uses the placement nearest the transcript's 3' end. VCF-style (leftmost placement, unchanged base first): chr14-75006675-ACTCAT-A. GRCh37 (hg19) VCF-style: chr14-75473378-ACTCAT-A.
Other names: c.793_797del (NM_014239.4); short protein forms L265fs.
Identifiers: ClinVar variation 4075750 (VCV004075750.1).